The following is an entry in ClinVar:

NM_182643.3(DLC1):c.4293-3C>T

Gene: DLC1 (DLC1 Rho GTPase activating protein; minus strand). Cytogenetic location: 8p22.
Variant type: single nucleotide variant.
Coding change: c.4293-3C>T on transcript NM_182643.3 (MANE Select); 3 bases into the intron before coding-DNA position 4293, C replaced by T.
Molecular consequence: intron variant.
Genome position (GRCh38, 1-based): chr8:13,086,466, G>A on the plus strand (C>T on the coding strand, the complement: DLC1 is on the minus strand). VCF-style: chr8-13086466-G-A. GRCh37 (hg19) VCF-style: chr8-12943975-G-A.
Other names: c.2760-3C>T (NM_001348082.2, NM_001348084.2, NM_001164271.2 and 1 more transcripts); c.4293-3C>T (NM_001348081.2); c.3084-3C>T (NM_001316668.2); c.2982-3C>T (NM_006094.5).
Identifiers: ClinVar variation 1972290 (VCV001972290.5), dbSNP rs1297478912, ClinGen allele CA580504622.

ClinVar aggregate classification (germline): Uncertain significance (1 of 4 stars; one submission).

gnomAD v4.1: 3 of 1,609,414 alleles (0.00019%); highest among the groups gnomAD compares: South Asian, 0.0022%; no homozygotes.

Submission:

Labcorp Genetics (formerly Invitae), Labcorp
Classification: Uncertain significance. Last evaluated: 2022-06-03. Review status: criteria provided, single submitter. Criteria: Invitae Variant Classification Sherloc (09022015). Collection method: clinical testing. Allele origin: germline.
Comment: In summary, the available evidence is currently insufficient to determine the role of this variant in disease. Therefore, it has been classified as a Variant of Uncertain Significance. Variants that disrupt the consensus splice site are a relatively common cause of aberrant splicing (PMID: 17576681, 9536098). Algorithms developed to predict the effect of sequence changes on RNA splicing suggest that this variant is not likely to affect RNA splicing. This variant has not been reported in the literature in individuals affected with DLC1-related conditions. This variant is present in population databases (no rsID available, gnomAD 0.007%). This sequence change falls in intron 16 of the DLC1 gene. It does not directly change the encoded amino acid sequence of the DLC1 protein. It affects a nucleotide within the consensus splice site.

Literature cited by the submitters: PubMed 17576681; PubMed 9536098.